The following is an entry in ClinVar:

ClinVar aggregate classification (germline): Conflicting classifications of pathogenicity. Review status: criteria provided, conflicting classifications (1 of 4 stars). 2 submissions from 2 submitters: Uncertain significance (1); Likely benign (1). Last evaluated 2023-03-23.

Conditions:
Hereditary cancer-predisposing syndrome. Also called: Hereditary Cancer Syndrome; Hereditary neoplastic syndrome; Neoplastic Syndromes, Hereditary; Tumor predisposition. Identifiers: Orphanet 140162, MedGen C0027672, MeSH D009386, MONDO:0015356.
Hereditary breast ovarian cancer syndrome. Also called: Hereditary breast and ovarian cancer syndrome (HBOC); Breast and ovarian cancer; Hereditary breast and/or ovarian cancer syndrome; BRCA1- and BRCA2-Associated Hereditary Breast and Ovarian Cancer; Hereditary breast and ovarian cancer syndrome; Hereditary breast and ovarian cancer. Identifiers: Orphanet 145, MedGen C0677776, MeSH D061325, MONDO:0003582. Disease mechanism: loss of function.

Submissions (2):

University of Washington Department of Laboratory Medicine, University of Washington
Classification: Likely benign for Hereditary cancer-predisposing syndrome. Last evaluated: 2023-03-23. Review status: criteria provided, single submitter. Criteria: Dines et al. (Genet Med. 2020). Collection method: curation. Allele origin: germline.
Comment: Missense variant in a coldspot region where missense variants are very unlikely to be pathogenic (PMID:31911673).

BRCA2 exon 11 coldspot. Reclassification based on statistical prior probability.

Labcorp Genetics (formerly Invitae), Labcorp
Classification: Uncertain significance for Hereditary breast ovarian cancer syndrome. Last evaluated: 2020-10-06. Review status: criteria provided, single submitter. Criteria: Invitae Variant Classification Sherloc (09022015). Collection method: clinical testing. Allele origin: germline.
Comment: In summary, the available evidence is currently insufficient to determine the role of this variant in disease. Therefore, it has been classified as a Variant of Uncertain Significance. Advanced modeling of protein sequence and biophysical properties (such as structural, functional, and spatial information, amino acid conservation, physicochemical variation, residue mobility, and thermodynamic stability) performed at Invitae indicates that this missense variant is not expected to disrupt BRCA2 protein function. This variant has not been reported in the literature in individuals with BRCA2-related conditions. This variant is not present in population databases (ExAC no frequency). This sequence change replaces alanine with serine at codon 1253 of the BRCA2 protein (p.Ala1253Ser). The alanine residue is weakly conserved and there is a moderate physicochemical difference between alanine and serine.

NM_000059.4(BRCA2):c.3757G>T (p.Ala1253Ser)

Gene: BRCA2 (BRCA2 DNA repair associated; plus strand). Cytogenetic location: 13q13.1.
Variant type: single nucleotide variant.
Coding change: c.3757G>T on transcript NM_000059.4 (MANE Select); coding-DNA position 3757, G replaced by T.
Protein change: p.Ala1253Ser; replaces alanine 1253 with serine.
Molecular consequence: missense variant.
Genome position (GRCh38, 1-based): chr13:32,338,112, G>T. VCF-style: chr13-32338112-G-T. GRCh37 (hg19) VCF-style: chr13-32912249-G-T.
Other names: short protein forms A1253S.
Identifiers: ClinVar variation 1062834 (VCV001062834.10), dbSNP rs1226138707, ClinGen allele CA387778206.